The following is an entry in ClinVar:

NM_001042492.3(NF1):c.5533A>T (p.Ile1845Phe)

Gene: NF1 (neurofibromin 1; plus strand). Cytogenetic location: 17q11.2.
Variant type: single nucleotide variant.
Coding change: c.5533A>T on transcript NM_001042492.3 (MANE Select); coding-DNA position 5533, A replaced by T.
Protein change: p.Ile1845Phe; replaces isoleucine 1845 with phenylalanine.
Molecular consequence: missense variant.
Genome position (GRCh38, 1-based): chr17:31,327,763, A>T. VCF-style: chr17-31327763-A-T. GRCh37 (hg19) VCF-style: chr17-29654781-A-T.
Other names: c.5470A>T, p.Ile1824Phe (NM_000267.4); short protein forms I1824F, I1845F.
Identifiers: ClinVar variation 561770 (VCV000561770.10), dbSNP rs1567612641, ClinGen allele CA399009787.

ClinVar aggregate classification (germline): Conflicting classifications of pathogenicity. Review status: criteria provided, conflicting classifications (1 of 4 stars). 5 submissions from 5 submitters: Pathogenic (1); Likely pathogenic (1); Uncertain significance (3). Last evaluated 2025-03-18.

Conditions:
NF1-related disorder. Also called: NF1-related condition. Identifiers: MedGen CN379171.
Cardiovascular phenotype. Identifiers: MedGen CN230736.
Hereditary cancer-predisposing syndrome. Also called: Hereditary neoplastic syndrome; Tumor predisposition; Neoplastic Syndromes, Hereditary; Hereditary Cancer Syndrome. Identifiers: Orphanet 140162, MedGen C0027672, MeSH D009386, MONDO:0015356.
Juvenile myelomonocytic leukemia (JMML). Also called: LEUKEMIA, JUVENILE MYELOMONOCYTIC, SOMATIC. Identifiers: Orphanet 86834, MedGen C0349639, MONDO:0011908, OMIM 607785, HP:0012209.
Neurofibromatosis, type 1 (NF1). Also called: VON RECKLINGHAUSEN DISEASE; Peripheral type neurofibromatosis; NEUROFIBROMATOSIS, TYPE I, SOMATIC; Neurofibromatosis, type I. Identifiers: Orphanet 636, MedGen C0027831, MONDO:0018975, OMIM 162200. Disease mechanism: loss of function.

Submissions (5):

Ambry Genetics
Classification: Uncertain significance for Cardiovascular phenotype; Hereditary cancer-predisposing syndrome. Last evaluated: 2025-03-18. Review status: criteria provided, single submitter. Criteria: Ambry Variant Classification Scheme 2023. Collection method: clinical testing. Allele origin: germline.
Comment: The p.I1824F variant (also known as c.5470A>T), located in coding exon 37 of the NF1 gene, results from an A to T substitution at nucleotide position 5470. The isoleucine at codon 1824 is replaced by phenylalanine, an amino acid with highly similar properties. This variant was observed in a cohort of patients with classical NF1 (Paterra R et al. Cancers (Basel), 2022 Dec;15:). This amino acid position is highly conserved in available vertebrate species. In addition, this alteration is predicted to be deleterious by in silico analysis. Based on the available evidence, the clinical significance of this variant remains unclear.

Baylor Genetics
Classification: Uncertain significance for Juvenile myelomonocytic leukemia. Last evaluated: 2023-07-14. Review status: criteria provided, single submitter. Criteria: ACMG Guidelines, 2015. Collection method: clinical testing. Allele origin: unknown.

Blueprint Genetics
Classification: Likely pathogenic for NF1-related disorders. Last evaluated: 2022-04-04. Review status: criteria provided, single submitter. Criteria: ACMG Guidelines, 2015. Collection method: clinical testing. Allele origin: germline. Affected: yes. Observed: 1 variant allele.

Labcorp Genetics (formerly Invitae), Labcorp
Classification: Pathogenic for Neurofibromatosis, type 1. Last evaluated: 2021-08-17. Review status: criteria provided, single submitter. Criteria: Invitae Variant Classification Sherloc (09022015). Collection method: clinical testing. Allele origin: germline.
Comment: This missense change has been observed in individual(s) with neurofibromatosis type 1 (Invitae). In at least one individual the variant was observed to be de novo. For these reasons, this variant has been classified as Pathogenic. This variant disrupts the p.Ile1824 amino acid residue in NF1. Other variant(s) that disrupt this residue have been observed in individuals with NF1-related conditions (PMID: 18041031, 30308447), which suggests that this may be a clinically significant amino acid residue. Advanced modeling of protein sequence and biophysical properties (such as structural, functional, and spatial information, amino acid conservation, physicochemical variation, residue mobility, and thermodynamic stability) performed at Invitae indicates that this missense variant is expected to disrupt NF1 protein function. ClinVar contains an entry for this variant (Variation ID: 561770). This variant is not present in population databases (ExAC no frequency). This sequence change replaces isoleucine with phenylalanine at codon 1824 of the NF1 protein (p.Ile1824Phe). The isoleucine residue is moderately conserved and there is a small physicochemical difference between isoleucine and phenylalanine.

GeneDx
Classification: Uncertain significance. Last evaluated: 2019-10-07. Review status: criteria provided, single submitter. Criteria: GeneDx Variant Classification Process June 2021. Collection method: clinical testing. Allele origin: germline. Affected: yes.
Comment: Not observed in large population cohorts (Lek et al., 2016); In silico analysis, which includes protein predictors and evolutionary conservation, supports a deleterious effect; Has not been previously published as pathogenic or benign to our knowledge

Literature cited by the submitters: PubMed 36612057 (cited by Ambry Genetics); PubMed 18041031 (cited by Labcorp Genetics (formerly Invitae), Labcorp); PubMed 30308447 (cited by Labcorp Genetics (formerly Invitae), Labcorp).